The following is an entry in ClinVar:

NM_000275.3(OCA2):c.757G>A (p.Glu253Lys)

Gene: OCA2 (OCA2 melanosomal transmembrane protein; minus strand). Cytogenetic location: 15q13.1.
Variant type: single nucleotide variant.
Coding change: c.757G>A on transcript NM_000275.3 (MANE Select); coding-DNA position 757, G replaced by A.
Protein change: p.Glu253Lys; replaces glutamic acid 253 with lysine.
Molecular consequence: missense variant.
Genome position (GRCh38, 1-based): chr15:28,018,447, C>T on the plus strand (G>A on the coding strand, the complement: OCA2 is on the minus strand). VCF-style: chr15-28018447-C-T. GRCh37 (hg19) VCF-style: chr15-28263593-C-T.
Other names: c.757G>A, p.Glu253Lys (NM_001300984.2); short protein forms E253K.
Identifiers: ClinVar variation 1934987 (VCV001934987.4), dbSNP rs1566803455, ClinGen allele CA391366277.
Genomic context (GRCh38, chr15:28,018,447, plus strand): 5'-TCAGCATAACCTGCTGTGGCCGCCGCCACCTGGAGCCCAAAGCGTCAGCCTGGGTCAGCT[C>T]CACCACGATGTGCTCTTCCCTCCCAGGACGACTCGGCCCACTGGCCACTAGGGCCCCTGC-3'
Protein context (NP_000266.2, residues 243-263): RPGREEHIVV[Glu253Lys]LTQADALGSR

ClinVar aggregate classification (germline): Uncertain significance (1 of 4 stars; one submission).

Allele frequency attached by ClinVar (database versions not stated): gnomAD exomes below 0.00001; TOPMed below 0.00001.
gnomAD v4.1: 1 of 1,614,116 alleles (0.000062%); highest among the groups gnomAD compares: East Asian, 0.0022%; no homozygotes.

Submission:

Labcorp Genetics (formerly Invitae), Labcorp
Classification: Uncertain significance. Last evaluated: 2024-03-04. Review status: criteria provided, single submitter. Criteria: Invitae Variant Classification Sherloc (09022015). Collection method: clinical testing. Allele origin: germline.
Comment: This sequence change replaces glutamic acid, which is acidic and polar, with lysine, which is basic and polar, at codon 253 of the OCA2 protein (p.Glu253Lys). This variant is not present in population databases (gnomAD no frequency). This variant has not been reported in the literature in individuals affected with OCA2-related conditions. ClinVar contains an entry for this variant (Variation ID: 1934987). Advanced modeling of protein sequence and biophysical properties (such as structural, functional, and spatial information, amino acid conservation, physicochemical variation, residue mobility, and thermodynamic stability) performed at Invitae indicates that this missense variant is not expected to disrupt OCA2 protein function with a negative predictive value of 80%. In summary, the available evidence is currently insufficient to determine the role of this variant in disease. Therefore, it has been classified as a Variant of Uncertain Significance.